The following is an entry in ClinVar:

NM_015937.6(PIGT):c.1084G>T (p.Gly362Trp)

Gene: PIGT (phosphatidylinositol glycan anchor biosynthesis class T; plus strand). Cytogenetic location: 20q13.12.
Variant type: single nucleotide variant.
Coding change: c.1084G>T on transcript NM_015937.6 (MANE Select); coding-DNA position 1084, G replaced by T.
Protein change: p.Gly362Trp; replaces glycine 362 with tryptophan.
Molecular consequence: missense variant. On other transcripts: non-coding transcript variant (5), intron variant (1).
Genome position (GRCh38, 1-based): chr20:45,421,433, G>T. VCF-style: chr20-45421433-G-T. GRCh37 (hg19) VCF-style: chr20-44050073-G-T.
Other names: c.916G>T, p.Gly306Trp (NM_001184728.3); c.778G>T, p.Gly260Trp (NM_001184730.3); c.1033+740G>T (NM_001184729.3); short protein forms G260W, G306W, G362W.
Identifiers: ClinVar variation 2132886 (VCV002132886.4), dbSNP rs1472588476, ClinGen allele CA409169139.

ClinVar aggregate classification (germline): Uncertain significance (1 of 4 stars; one submission).

Conditions:
Multiple congenital anomalies-hypotonia-seizures syndrome 3 (MCAHS3). Also called: GLYCOSYLPHOSPHATIDYLINOSITOL BIOSYNTHESIS DEFECT 7. Identifiers: Orphanet 369837, MedGen C3809356, MONDO:0014165, OMIM 615398.

Allele frequency attached by ClinVar (database versions not stated): gnomAD exomes 0.00001.
gnomAD v4.1: 8 of 1,614,186 alleles (0.0005%); highest among the groups gnomAD compares: South Asian, 0.0088%; 1 homozygote.

Submission:

Labcorp Genetics (formerly Invitae), Labcorp
Classification: Uncertain significance for Multiple congenital anomalies-hypotonia-seizures syndrome 3. Last evaluated: 2026-01-19. Review status: criteria provided, single submitter. Criteria: Invitae Variant Classification Sherloc (09022015). Collection method: clinical testing. Allele origin: germline.
Comment: This sequence change replaces glycine, which is neutral and non-polar, with tryptophan, which is neutral and slightly polar, at codon 362 of the PIGT protein (p.Gly362Trp). This variant is present in population databases (no rsID available, gnomAD 0.006%). This variant has not been reported in the literature in individuals affected with PIGT-related conditions. ClinVar contains an entry for this variant (Variation ID: 2132886). Invitae Evidence Modeling of protein sequence and biophysical properties (such as structural, functional, and spatial information, amino acid conservation, physicochemical variation, residue mobility, and thermodynamic stability) indicates that this missense variant is expected to disrupt PIGT protein function with a positive predictive value of 95%. In summary, the available evidence is currently insufficient to determine the role of this variant in disease. Therefore, it has been classified as a Variant of Uncertain Significance.